The following is an entry in ClinVar:

ClinVar aggregate classification (germline): Conflicting classifications of pathogenicity. Review status: criteria provided, conflicting classifications (1 of 4 stars). 3 submissions from 3 submitters: Uncertain significance (2); Likely benign (1). Last evaluated 2026-06-01.

Conditions:
Blau syndrome (BLAUS). Also called: JABS SYNDROME; ARTHROCUTANEOUVEAL GRANULOMATOSIS; GRANULOMATOSIS, FAMILIAL JUVENILE SYSTEMIC; GRANULOMATOSIS, FAMILIAL, BLAU TYPE; GRANULOMATOUS INFLAMMATORY ARTHRITIS, DERMATITIS, AND UVEITIS, FAMILIAL. Identifiers: Orphanet 90340, MedGen C5201146, MONDO:0008523, OMIM 186580.
Yao syndrome. Also called: Susceptibility to Yao syndrome. Identifiers: MedGen C4310620, MONDO:0015019, OMIM 617321.
Inflammatory bowel disease 1 (IBD1). Also called: Inflammatory bowel disease 1, Crohn disease; INFLAMMATORY BOWEL DISEASE (CROHN DISEASE) 1. Identifiers: MedGen CN260071, MONDO:0009960, OMIM 266600.
Regional enteritis. Also called: Enteritis, Granulomatous. Identifiers: MedGen C0678202, MeSH D003424.

Allele frequency attached by ClinVar (database versions not stated): ExAC 0.00002; gnomAD exomes 0.00002 and 0.00004; TOPMed 0.00003; gnomAD 0.00005 and 0.00006.
gnomAD v4.1: 48 of 1,614,138 alleles (0.003%); highest among the groups gnomAD compares: Middle Eastern, 0.12%; no homozygotes.

Submissions (3):

CeGaT Center for Human Genetics Tuebingen
Classification: Likely benign. Last evaluated: 2026-06-01. Review status: criteria provided, single submitter. Criteria: CeGaT Center For Human Genetics Tuebingen Variant Classification Criteria Version 2. Collection method: clinical testing. Allele origin: germline. Affected: yes. Observed: 2 variant alleles.
Comment: NOD2: BP4

Labcorp Genetics (formerly Invitae), Labcorp
Classification: Uncertain significance for Regional enteritis; Blau syndrome. Last evaluated: 2025-08-11. Review status: criteria provided, single submitter. Criteria: Invitae Variant Classification Sherloc (09022015). Collection method: clinical testing. Allele origin: germline.
Comment: This sequence change replaces alanine, which is neutral and non-polar, with threonine, which is neutral and polar, at codon 860 of the NOD2 protein (p.Ala860Thr). This variant is present in population databases (rs754270929, gnomAD 0.01%). This variant has not been reported in the literature in individuals affected with NOD2-related conditions. ClinVar contains an entry for this variant (Variation ID: 661846). Invitae Evidence Modeling of protein sequence and biophysical properties (such as structural, functional, and spatial information, amino acid conservation, physicochemical variation, residue mobility, and thermodynamic stability) indicates that this missense variant is not expected to disrupt NOD2 protein function with a negative predictive value of 95%. In summary, the available evidence is currently insufficient to determine the role of this variant in disease. Therefore, it has been classified as a Variant of Uncertain Significance.

Department of Pathology and Laboratory Medicine, Sinai Health System
Classification: Uncertain significance for Blau syndrome; Inflammatory bowel disease 1; Yao syndrome. Last evaluated: 2023-02-21. Review status: criteria provided, single submitter. Criteria: ACMG Guidelines, 2015. Collection method: research. Allele origin: germline.

NM_001370466.1(NOD2):c.2497G>A (p.Ala833Thr)

Gene: NOD2 (nucleotide binding oligomerization domain containing 2; plus strand). Cytogenetic location: 16q12.1.
Variant type: single nucleotide variant.
Coding change: c.2497G>A on transcript NM_001370466.1 (MANE Select); coding-DNA position 2497, G replaced by A.
Protein change: p.Ala833Thr; replaces alanine 833 with threonine.
Molecular consequence: missense variant. On other transcripts: non-coding transcript variant (1).
Genome position (GRCh38, 1-based): chr16:50,716,922, G>A. VCF-style: chr16-50716922-G-A. GRCh37 (hg19) VCF-style: chr16-50750833-G-A.
Other names: c.2497G>A, p.Ala833Thr (NM_001293557.2); c.2578G>A, p.Ala860Thr (NM_022162.3); short protein forms A833T, A860T.
Identifiers: ClinVar variation 661846 (VCV000661846.10), dbSNP rs754270929, ClinGen allele CA8051848.